The following is an entry in ClinVar:

ClinVar aggregate classification (germline): Uncertain significance. Review status: criteria provided, multiple submitters, no conflicts (2 of 4 stars). 4 submissions from 4 submitters: Uncertain significance (3). 1 of the submissions does not count toward it. Last evaluated 2022-07-11.

Conditions:
Arthrogryposis, distal, type 2B2. Identifiers: MedGen C5193097, MONDO:0032750, OMIM 618435.
TNNT3-related disorder. Also called: TNNT3-related condition.

Submissions (4):

Department of Pathology and Laboratory Medicine, Sinai Health System
Classification: Uncertain significance for Arthrogryposis, distal, type 2B2. Last evaluated: 2022-07-11. Review status: criteria provided, single submitter. Criteria: ACMG Guidelines, 2015. Collection method: research. Allele origin: germline.

GeneDx
Classification: Uncertain significance. Last evaluated: 2020-07-31. Review status: criteria provided, single submitter. Criteria: GeneDx Variant Classification Process June 2021. Collection method: clinical testing. Allele origin: germline. Affected: yes.
Comment: In-frame deletion/insertion of 1 amino acid in a non-repeat region; In silico analysis supports a deleterious effect on protein structure/function; Has not been previously published as pathogenic or benign to our knowledge

Institute of Human Genetics, University of Leipzig Medical Center
Classification: Uncertain significance for Arthrogryposis, distal, type 2B2. Last evaluated: 2019-01-01. Review status: criteria provided, single submitter. Criteria: ACMG Guidelines, 2015. Collection method: clinical testing. Allele origin: unknown. Affected: yes.

PreventionGenetics, part of Exact Sciences
Classification: Uncertain significance for TNNT3-related condition. Last evaluated: 2024-01-05. Review status: no assertion criteria provided. Collection method: clinical testing. Allele origin: germline. Not counted in ClinVar's aggregate classification.
Comment: The TNNT3 c.530_532delAGA variant is predicted to result in an in-frame deletion (p.Lys177del). To our knowledge, this variant has not been reported in the literature. This variant is reported in 0.0086% of alleles in individuals of Latino descent in gnomAD. At this time, the clinical significance of this variant is uncertain due to the absence of conclusive functional and genetic evidence.

NM_006757.4(TNNT3):c.524AGA[2] (p.Lys177del)

Gene: TNNT3 (troponin T3, fast skeletal type; plus strand). Cytogenetic location: 11p15.5.
Variant type: Microsatellite.
Coding change: c.524AGA[2] on transcript NM_006757.4 (MANE Select); two copies in a row of the 3-base unit AGA starting at c.524; the reference has three copies in a row; one copy, 3 bases deleted.
Protein change: p.Lys177del; deletes lysine 177.
Molecular consequence: inframe deletion.
Genome position (GRCh38, 1-based): chr11:1,934,595-1,934,597, AGA deleted; deleting any 3 consecutive bases within chr11:1,934,587-1,934,597 gives the same sequence; the position shown is the placement nearest the transcript's 3' end. VCF-style (leftmost placement, unchanged base first): chr11-1934586-TGAA-T. GRCh37 (hg19) VCF-style: chr11-1955816-TGAA-T.
Other names: c.530_532delAGA (NM_006757.3); c.500AGA[2], p.Lys169del (NM_001042780.3, NM_001042782.3, NM_001297646.2 and 2 more transcripts); c.518AGA[2], p.Lys175del (NM_001042781.3, NM_001367842.1, NM_001367843.1); c.533AGA[2], p.Lys180del (NM_001363561.2, NM_001367847.1); c.557AGA[2], p.Lys188del (NM_001367846.1); c.521AGA[2], p.Lys176del (NM_001367848.1); c.512AGA[2], p.Lys173del (NM_001367849.1); c.467AGA[2], p.Lys158del (NM_001367850.1); and 1 more; short protein forms K177del, K109del, K188del, K158del, K169del, K175del, K180del, K173del.
Identifiers: ClinVar variation 429865 (VCV000429865.10), dbSNP rs765275660, ClinGen allele CA5816521.